The following is an entry in ClinVar:

NM_001386135.1(AFF3):c.2758G>A (p.Asp920Asn)

Gene: AFF3 (ALF transcription elongation factor 3; minus strand). Cytogenetic location: 2q11.2.
Variant type: single nucleotide variant.
Coding change: c.2758G>A on transcript NM_001386135.1 (MANE Select); coding-DNA position 2758, G replaced by A.
Protein change: p.Asp920Asn; replaces aspartic acid 920 with asparagine.
Molecular consequence: missense variant.
Genome position (GRCh38, 1-based): chr2:99,582,833, C>T on the plus strand (G>A on the coding strand, the complement: AFF3 is on the minus strand). VCF-style: chr2-99582833-C-T. GRCh37 (hg19) VCF-style: chr2-100199295-C-T.
Other names: c.2833G>A, p.Asp945Asn (NM_001025108.2); c.2758G>A, p.Asp920Asn (NM_002285.3); c.2833G>A (NM_001025108.1); short protein forms D920N, D945N.
Identifiers: ClinVar variation 3351829 (VCV003351829.2).
Genomic context (GRCh38, chr2:99,582,833, plus strand): 5'-TGGGAAAGGAAGAGCATCAACAAACCGTGAGGTCTCCGCCGTGAGGCTGCAGCTGGCTGT[C>T]GGCCTTAGGCTTTTTGCTGGAAGAGGCTGAAGTAAACAAACTGTTGCCATTAGGTCGGCT-3'
Protein context (NP_001373064.1, residues 910-930): SASSSKKPKA[Asp920Asn]SQLQPHGGDL

ClinVar aggregate classification (germline): Uncertain significance. Review status: criteria provided, single submitter (1 of 4 stars). 2 submissions from 2 submitters: Uncertain significance (1). 1 of the submissions does not count toward it. Last evaluated 2025-06-10.

Conditions:
AFF3-related disorder. Also called: AFF3-related condition.
Inborn genetic diseases. Identifiers: MedGen C0950123, MeSH D030342.

gnomAD v4.1: 228 of 1,614,164 alleles (0.014%); highest among the groups gnomAD compares: African/African-American, 0.069%; no homozygotes.

Submissions (2):

Ambry Genetics
Classification: Uncertain significance for Inborn genetic diseases. Last evaluated: 2025-06-10. Review status: criteria provided, single submitter. Criteria: Ambry Variant Classification Scheme 2023. Collection method: clinical testing. Allele origin: germline.

PreventionGenetics, part of Exact Sciences
Classification: Likely benign for AFF3-related condition. Last evaluated: 2024-09-21. Review status: no assertion criteria provided. Collection method: clinical testing. Allele origin: germline. Not counted in ClinVar's aggregate classification.
Comment: This variant is classified as likely benign based on ACMG/AMP sequence variant interpretation guidelines (Richards et al. 2015 PMID: 25741868, with internal and published modifications).